The following is an entry in ClinVar:

NM_001942.4(DSG1):c.811C>G (p.Gln271Glu)

Gene: DSG1 (desmoglein 1; plus strand). Cytogenetic location: 18q12.1.
Variant type: single nucleotide variant.
Coding change: c.811C>G on transcript NM_001942.4 (MANE Select); coding-DNA position 811, C replaced by G.
Protein change: p.Gln271Glu; replaces glutamine 271 with glutamic acid.
Molecular consequence: missense variant.
Genome position (GRCh38, 1-based): chr18:31,333,715, C>G. VCF-style: chr18-31333715-C-G. GRCh37 (hg19) VCF-style: chr18-28913678-C-G.
Other names: short protein forms Q271E.
Identifiers: ClinVar variation 1391505 (VCV001391505.8), dbSNP rs199911116, ClinGen allele CA8925937.
Genomic context (GRCh38, chr18:31,333,715, plus strand): 5'-GCGGAATGTGAGTGCAACATTAAAATCCTCGATGTCAATGATAATATCCCTTACATGGAA[C>G]AGTCTTCAGTAAGTATTTGTTCTTGGAATTAATAAATCTAAATTCGCTATATTCTAAAAC-3'
Protein context (NP_001933.2, residues 261-281): DVNDNIPYME[Gln271Glu]SSYTIEIQEN

ClinVar aggregate classification (germline): Uncertain significance (1 of 4 stars; one submission).

Allele frequency attached by ClinVar (database versions not stated): gnomAD 0.00001; TOPMed 0.00008; gnomAD exomes 0.00010 and 0.00022; 1000 Genomes Project 0.00020; ExAC 0.00020; 1000 Genomes Project 30x 0.00031.
gnomAD v4.1: 59 of 1,613,534 alleles (0.0037%); highest among the groups gnomAD compares: Admixed American, 0.098%; no homozygotes.

Submission:

Labcorp Genetics (formerly Invitae), Labcorp
Classification: Uncertain significance. Last evaluated: 2026-01-16. Review status: criteria provided, single submitter. Criteria: Invitae Variant Classification Sherloc (09022015). Collection method: clinical testing. Allele origin: germline.
Comment: This sequence change replaces glutamine, which is neutral and polar, with glutamic acid, which is acidic and polar, at codon 271 of the DSG1 protein (p.Gln271Glu). This variant is present in population databases (rs199911116, gnomAD 0.2%). This variant has not been reported in the literature in individuals affected with DSG1-related conditions. ClinVar contains an entry for this variant (Variation ID: 1391505). Invitae Evidence Modeling of protein sequence and biophysical properties (such as structural, functional, and spatial information, amino acid conservation, physicochemical variation, residue mobility, and thermodynamic stability) indicates that this missense variant is not expected to disrupt DSG1 protein function with a negative predictive value of 80%. In summary, the available evidence is currently insufficient to determine the role of this variant in disease. Therefore, it has been classified as a Variant of Uncertain Significance.